The following is an entry in ClinVar:

ClinVar aggregate classification (germline): Benign/Likely benign. Review status: criteria provided, multiple submitters, no conflicts (2 of 4 stars). 5 submissions from 5 submitters: Benign (1); Likely benign (4). Last evaluated 2026-01-19.

Conditions:
Tuberous sclerosis 2 (TSC2). Identifiers: Orphanet 805, MedGen C1860707, MONDO:0013199, OMIM 613254.
Lymphangiomyomatosis (LAM). Also called: Lymphangioleiomyomatosis, somatic; Lymphangioleiomyomatosis. Identifiers: Orphanet 538, MedGen C0751674, MONDO:0011705, OMIM 606690.
Isolated focal cortical dysplasia type II (FCORD2). Also called: CORTICAL DYSPLASIA OF TAYLOR; Focal cortical dysplasia type II. Identifiers: Orphanet 268994, MedGen C1846385, MONDO:0011818, OMIM 607341, HP:0032051.

Allele frequency attached by ClinVar (database versions not stated): gnomAD 0.00001 and 0.00005; TOPMed 0.00002; gnomAD exomes 0.00020; ExAC 0.00028; 1000 Genomes Project 0.00040; 1000 Genomes Project 30x 0.00047.
gnomAD v4.1: 145 of 1,589,900 alleles (0.0091%); highest among the groups gnomAD compares: South Asian, 0.15%; 1 homozygote.

Submissions (5):

Labcorp Genetics (formerly Invitae), Labcorp
Classification: Benign for Tuberous sclerosis 2. Last evaluated: 2026-01-19. Review status: criteria provided, single submitter. Criteria: Invitae Variant Classification Sherloc (09022015). Collection method: clinical testing. Allele origin: germline.

Blueprint Genetics
Classification: Likely benign. Last evaluated: 2024-02-09. Review status: criteria provided, single submitter. Criteria: ACMG Guidelines, 2015. Collection method: clinical testing. Allele origin: germline.

KCCC/NGS Laboratory, Kuwait Cancer Control Center
Classification: Likely benign for Tuberous sclerosis 2. Last evaluated: 2023-07-07. Review status: criteria provided, single submitter. Criteria: ACMG Guidelines, 2015. Collection method: clinical testing. Allele origin: germline. Affected: yes.

Fulgent Genetics
Classification: Likely benign for Lymphangiomyomatosis; Isolated focal cortical dysplasia type II; Tuberous sclerosis 2. Last evaluated: 2021-10-06. Review status: criteria provided, single submitter. Criteria: ACMG Guidelines, 2015. Collection method: clinical testing. Allele origin: unknown.

GeneDx
Classification: Likely benign. Last evaluated: 2017-12-29. Review status: criteria provided, single submitter. Criteria: GeneDx Variant Classification (06012015). Collection method: clinical testing. Allele origin: germline. Affected: yes.
Comment: This variant is considered likely benign or benign based on one or more of the following criteria: it is a conservative change, it occurs at a poorly conserved position in the protein, it is predicted to be benign by multiple in silico algorithms, and/or has population frequency not consistent with disease.

NM_000548.5(TSC2):c.1361+20C>G

Gene: TSC2 (TSC complex subunit 2; plus strand). Cytogenetic location: 16p13.3.
Variant type: single nucleotide variant.
Coding change: c.1361+20C>G on transcript NM_000548.5 (MANE Select); 20 bases into the intron after coding-DNA position 1361, C replaced by G.
Molecular consequence: intron variant.
Genome position (GRCh38, 1-based): chr16:2,062,620, C>G. VCF-style: chr16-2062620-C-G. GRCh37 (hg19) VCF-style: chr16-2112621-C-G.
Other names: c.1361+20C>G (NM_000548.4, NM_001114382.3, NM_021055.3 and 4 more transcripts); c.1250+20C>G (NM_001318827.2); c.761+20C>G (NM_001318831.2); c.1214+20C>G (NM_001318829.2); c.1394+20C>G (NM_001318832.2).
Identifiers: ClinVar variation 380234 (VCV000380234.14), dbSNP rs538626543, ClinGen allele CA029461.